The following is an entry in ClinVar:

NM_004252.5(NHERF1):c.643G>A (p.Val215Met)

Gene: NHERF1 (NHERF family PDZ scaffold protein 1; plus strand). Cytogenetic location: 17q25.1.
Variant type: single nucleotide variant.
Coding change: c.643G>A on transcript NM_004252.5 (MANE Select); coding-DNA position 643, G replaced by A.
Protein change: p.Val215Met; replaces valine 215 with methionine.
Molecular consequence: missense variant.
Genome position (GRCh38, 1-based): chr17:74,763,406, G>A. VCF-style: chr17-74763406-G-A. GRCh37 (hg19) VCF-style: chr17-72759545-G-A.
Other names: short protein forms V215M.
Identifiers: ClinVar variation 4740376 (VCV004740376.1).

ClinVar aggregate classification (germline): Uncertain significance (1 of 4 stars; one submission).

gnomAD v4.1: 47 of 1,614,034 alleles (0.0029%); highest among the groups gnomAD compares: Middle Eastern, 0.016%; no homozygotes.

Submission:

Labcorp Genetics (formerly Invitae), Labcorp
Classification: Uncertain significance. Last evaluated: 2025-11-15. Review status: criteria provided, single submitter. Criteria: Invitae Variant Classification Sherloc (09022015). Collection method: clinical testing. Allele origin: germline.
Comment: This sequence change replaces valine, which is neutral and non-polar, with methionine, which is neutral and non-polar, at codon 215 of the SLC9A3R1 protein (p.Val215Met). This variant is present in population databases (rs766649573, gnomAD 0.04%). This missense change has been observed in individual(s) with SLC9A3R1-related conditions (PMID: 37217505). An algorithm developed to predict the effect of missense changes on protein structure and function (PolyPhen-2) suggests that this variant is likely to be disruptive. In summary, the available evidence is currently insufficient to determine the role of this variant in disease. Therefore, it has been classified as a Variant of Uncertain Significance.

Literature cited by the submitters: PubMed 37217505.